The following is an entry in ClinVar:

ClinVar aggregate classification (germline): Uncertain significance (1 of 4 stars; one submission).

Conditions:
Familial hypobetalipoproteinemia 1. Also called: APOB-Related Familial Hypobetalipoproteinemia; Hypobetalipoproteinemia, normotriglyceridemic; Acanthocytosis with hypobetalipoproteinemia. Identifiers: MedGen C4551990, MONDO:0014252, OMIM 615558.
Hypercholesterolemia, autosomal dominant, type B (FHCL2). Also called: Familial Hypercholesterolemia Type B; APOLIPOPROTEIN B-100, FAMILIAL DEFECTIVE; APOLIPOPROTEIN B-100, FAMILIAL LIGAND-DEFECTIVE; HYPERCHOLESTEROLEMIA, FAMILIAL, DUE TO LIGAND-DEFECTIVE APOLIPOPROTEIN B; Hyperlipoproteinemia Type IIb; Familial hypercholesterolemia 2. Identifiers: MedGen C1704417, MONDO:0007751, OMIM 144010.

Submission:

Labcorp Genetics (formerly Invitae), Labcorp
Classification: Uncertain significance for Familial hypobetalipoproteinemia 1; Hypercholesterolemia, autosomal dominant, type B. Last evaluated: 2024-11-21. Review status: criteria provided, single submitter. Criteria: Invitae Variant Classification Sherloc (09022015). Collection method: clinical testing. Allele origin: germline.
Comment: This sequence change replaces lysine, which is basic and polar, with glutamic acid, which is acidic and polar, at codon 3057 of the APOB protein (p.Lys3057Glu). This variant is not present in population databases (gnomAD no frequency). This variant has not been reported in the literature in individuals affected with APOB-related conditions. Invitae Evidence Modeling of protein sequence and biophysical properties (such as structural, functional, and spatial information, amino acid conservation, physicochemical variation, residue mobility, and thermodynamic stability) indicates that this missense variant is not expected to disrupt APOB protein function with a negative predictive value of 95%. In summary, the available evidence is currently insufficient to determine the role of this variant in disease. Therefore, it has been classified as a Variant of Uncertain Significance.

NM_000384.3(APOB):c.9169A>G (p.Lys3057Glu)

Gene: APOB (apolipoprotein B; minus strand). Cytogenetic location: 2p24.1.
Variant type: single nucleotide variant.
Coding change: c.9169A>G on transcript NM_000384.3 (MANE Select); coding-DNA position 9169, A replaced by G.
Protein change: p.Lys3057Glu; replaces lysine 3057 with glutamic acid.
Molecular consequence: missense variant.
Genome position (GRCh38, 1-based): chr2:21,007,699, T>C on the plus strand (A>G on the coding strand, the complement: APOB is on the minus strand). VCF-style: chr2-21007699-T-C. GRCh37 (hg19) VCF-style: chr2-21230571-T-C.
Other names: short protein forms K3057E.
Identifiers: ClinVar variation 3753598 (VCV003753598.2).